The following is an entry in ClinVar:

ClinVar aggregate classification (germline): Uncertain significance. Review status: criteria provided, multiple submitters, no conflicts (2 of 4 stars). 2 submissions from 2 submitters: Uncertain significance (2). Last evaluated 2026-07-07.

Conditions:
Oligodontia-cancer predisposition syndrome. Also called: TOOTH AGENESIS-COLORECTAL CANCER SYNDROME. Identifiers: Orphanet 300576, MedGen C1837750, MONDO:0012075, OMIM 608615. Disease mechanism: loss of function.
Hereditary cancer-predisposing syndrome. Also called: Hereditary Cancer Syndrome; Hereditary neoplastic syndrome; Neoplastic Syndromes, Hereditary; Tumor predisposition. Identifiers: Orphanet 140162, MedGen C0027672, MeSH D009386, MONDO:0015356.

Submissions (2):

Ambry Genetics
Classification: Uncertain significance for Hereditary cancer-predisposing syndrome. Last evaluated: 2026-07-07. Review status: criteria provided, single submitter. Criteria: Ambry Variant Classification Scheme 2023. Collection method: clinical testing. Allele origin: germline.
Comment: The p.T308R variant (also known as c.923C>G), located in coding exon 2 of the AXIN2 gene, results from a C to G substitution at nucleotide position 923. The threonine at codon 308 is replaced by arginine, an amino acid with similar properties. This amino acid position is conserved. In addition, this alteration is predicted to be deleterious by in silico analysis. Based on the available evidence, the clinical significance of this variant remains unclear.

Labcorp Genetics (formerly Invitae), Labcorp
Classification: Uncertain significance for Oligodontia-cancer predisposition syndrome. Last evaluated: 2022-08-16. Review status: criteria provided, single submitter. Criteria: Invitae Variant Classification Sherloc (09022015). Collection method: clinical testing. Allele origin: germline.
Comment: Algorithms developed to predict the effect of missense changes on protein structure and function (SIFT, PolyPhen-2, Align-GVGD) all suggest that this variant is likely to be disruptive. This variant has not been reported in the literature in individuals affected with AXIN2-related conditions. This variant is not present in population databases (gnomAD no frequency). This sequence change replaces threonine, which is neutral and polar, with arginine, which is basic and polar, at codon 308 of the AXIN2 protein (p.Thr308Arg). In summary, the available evidence is currently insufficient to determine the role of this variant in disease. Therefore, it has been classified as a Variant of Uncertain Significance.

NM_004655.4(AXIN2):c.923C>G (p.Thr308Arg)

Gene: AXIN2 (axin 2; minus strand). Cytogenetic location: 17q24.1.
Variant type: single nucleotide variant.
Coding change: c.923C>G on transcript NM_004655.4 (MANE Select); coding-DNA position 923, C replaced by G.
Protein change: p.Thr308Arg; replaces threonine 308 with arginine.
Molecular consequence: missense variant.
Genome position (GRCh38, 1-based): chr17:65,549,553, G>C on the plus strand (C>G on the coding strand, the complement: AXIN2 is on the minus strand). VCF-style: chr17-65549553-G-C. GRCh37 (hg19) VCF-style: chr17-63545671-G-C.
Other names: c.923C>G, p.Thr308Arg (NM_001363813.1); short protein forms T308R.
Identifiers: ClinVar variation 2413848 (VCV002413848.7), dbSNP rs779083840, ClinGen allele CA400679490.
Genomic context (GRCh38, chr17:65,549,553, plus strand): 5'-CCACGGAAGGGTGGCCAGGATACTCACACACTGCTGTCCGTCATGGACATGGAATCATCC[G>C]TCAGCGCATCACTGGATATCTCACTGTCGTTGGCGCTGGTGGCTGGTGCAAAGACATAGC-3'
Protein context (NP_004646.3, residues 298-318): NDSEISSDAL[Thr308Arg]DDSMSMTDSS